The following is an entry in ClinVar:

ClinVar aggregate classification (germline): Uncertain significance (1 of 4 stars; one submission).

Allele frequency attached by ClinVar (database versions not stated): gnomAD exomes 0.00001; TOPMed 0.00001.
gnomAD v4.1: 5 of 1,614,192 alleles (0.00031%); highest among the groups gnomAD compares: African/African-American, 0.0013%; no homozygotes.

Submission:

GeneDx
Classification: Uncertain significance. Last evaluated: 2023-10-10. Review status: criteria provided, single submitter. Criteria: GeneDx Variant Classification Process June 2021. Collection method: clinical testing. Allele origin: germline. Affected: yes.
Comment: Not observed at significant frequency in large population cohorts (gnomAD); In silico analysis supports that this missense variant does not alter protein structure/function; Has not been previously published as pathogenic or benign to our knowledge; This variant is associated with the following publications: (PMID: 27178001)

NM_182961.4(SYNE1):c.6140A>G (p.Gln2047Arg)

Gene: SYNE1 (spectrin repeat containing nuclear envelope protein 1; minus strand). Cytogenetic location: 6q25.2.
Variant type: single nucleotide variant.
Coding change: c.6140A>G on transcript NM_182961.4 (MANE Select); coding-DNA position 6140, A replaced by G.
Protein change: p.Gln2047Arg; replaces glutamine 2047 with arginine.
Molecular consequence: missense variant.
Genome position (GRCh38, 1-based): chr6:152,413,442, T>C on the plus strand (A>G on the coding strand, the complement: SYNE1 is on the minus strand). VCF-style: chr6-152413442-T-C. GRCh37 (hg19) VCF-style: chr6-152734577-T-C.
Other names: c.6161A>G, p.Gln2054Arg (NM_033071.5); short protein forms Q2047R, Q2054R.
Identifiers: ClinVar variation 2663274 (VCV002663274.1), dbSNP rs1490214052, ClinGen allele CA366129476.